The following is an entry in ClinVar:

NM_023110.3(FGFR1):c.457C>G (p.Pro153Ala)

Gene: FGFR1 (fibroblast growth factor receptor 1; minus strand). Cytogenetic location: 8p11.23.
Variant type: single nucleotide variant.
Coding change: c.457C>G on transcript NM_023110.3 (MANE Select); coding-DNA position 457, C replaced by G.
Protein change: p.Pro153Ala; replaces proline 153 with alanine.
Molecular consequence: missense variant.
Genome position (GRCh38, 1-based): chr8:38,428,085, G>C on the plus strand (C>G on the coding strand, the complement: FGFR1 is on the minus strand). VCF-style: chr8-38428085-G-C. GRCh37 (hg19) VCF-style: chr8-38285603-G-C.
Other names: c.457C>G, p.Pro153Ala (NM_000604.2, NM_001174063.2); c.433C>G, p.Pro145Ala (NM_001174064.2); c.451C>G, p.Pro151Ala (NM_001174065.2, NM_001354367.2, NM_001354369.2 and 2 more transcripts); c.190C>G, p.Pro64Ala (NM_001174066.2, NM_023105.3); c.550C>G, p.Pro184Ala (NM_001174067.2); c.184C>G, p.Pro62Ala (NM_001354368.2, NM_001354370.2, NM_023106.3); short protein forms P145A, P151A, P153A, P184A, P62A, P64A.
Identifiers: ClinVar variation 1708299 (VCV001708299.3), dbSNP rs2150919904, ClinGen allele CA370735870.

ClinVar aggregate classification (germline): Uncertain significance (1 of 4 stars; one submission).

Submission:

Centre of Medical Genetics, University Hospital Muenster
Classification: Uncertain significance. Last evaluated: 2021-06-29. Review status: criteria provided, single submitter. Criteria: ACMG Guidelines, 2015. Collection method: clinical testing. Allele origin: unknown. Affected: yes. Observed: 1 variant allele, 1 heterozygote.
Comment: ACMG categories: PM2,PP3